The following is an entry in ClinVar:

NM_001374353.1(GLI2):c.2453C>G (p.Ser818Cys)

Gene: GLI2 (GLI family zinc finger 2; plus strand). Cytogenetic location: 2q14.2.
Variant type: single nucleotide variant.
Coding change: c.2453C>G on transcript NM_001374353.1 (MANE Select); coding-DNA position 2453, C replaced by G.
Protein change: p.Ser818Cys; replaces serine 818 with cysteine.
Molecular consequence: missense variant.
Genome position (GRCh38, 1-based): chr2:120,988,418, C>G. VCF-style: chr2-120988418-C-G. GRCh37 (hg19) VCF-style: chr2-121745994-C-G.
Other names: c.2504C>G, p.Ser835Cys (NM_001371271.1, NM_005270.5); c.2078C>G, p.Ser693Cys (NM_001374354.1); short protein forms S693C, S818C, S835C.
Identifiers: ClinVar variation 2633597 (VCV002633597.4), dbSNP rs890137078, ClinGen allele CA54381508.

ClinVar aggregate classification (germline): Uncertain significance. Review status: criteria provided, multiple submitters, no conflicts (2 of 4 stars). 2 submissions from 2 submitters: Uncertain significance (2). Last evaluated 2023-11-15.

Conditions:
GLI2-related disorder. Also called: GLI2-related disorders; GLI2-related condition.
Postaxial polydactyly-anterior pituitary anomalies-facial dysmorphism syndrome. Also called: Culler-Jones syndrome. Identifiers: Orphanet 420584, MedGen C4014479, MONDO:0014369, OMIM 615849.
Holoprosencephaly 9 (HPE9). Also called: PITUITARY ANOMALIES WITH HOLOPROSENCEPHALY-LIKE FEATURES; HOLOPROSENCEPHALY WITH MICROPHTHALMIA AND FIRST BRANCHIAL ARCH ANOMALIES. Identifiers: Orphanet 2162, MedGen C1835819, MONDO:0012563, OMIM 610829.

Allele frequency attached by ClinVar (database versions not stated): gnomAD 0.00003; TOPMed 0.00003.
gnomAD v4.1: 13 of 1,574,402 alleles (0.00083%); highest among the groups gnomAD compares: African/African-American, 0.015%; no homozygotes.

Submissions (2):

Labcorp Genetics (formerly Invitae), Labcorp
Classification: Uncertain significance for Postaxial polydactyly-anterior pituitary anomalies-facial dysmorphism syndrome; Holoprosencephaly 9. Last evaluated: 2023-11-15. Review status: criteria provided, single submitter. Criteria: Invitae Variant Classification Sherloc (09022015). Collection method: clinical testing. Allele origin: germline.
Comment: This sequence change replaces serine, which is neutral and polar, with cysteine, which is neutral and slightly polar, at codon 835 of the GLI2 protein (p.Ser835Cys). This variant is not present in population databases (gnomAD no frequency). This variant has not been reported in the literature in individuals affected with GLI2-related conditions. Advanced modeling of protein sequence and biophysical properties (such as structural, functional, and spatial information, amino acid conservation, physicochemical variation, residue mobility, and thermodynamic stability) performed at Invitae indicates that this missense variant is expected to disrupt GLI2 protein function with a positive predictive value of 80%. In summary, the available evidence is currently insufficient to determine the role of this variant in disease. Therefore, it has been classified as a Variant of Uncertain Significance.

PreventionGenetics, part of Exact Sciences
Classification: Uncertain significance for GLI2-related condition. Last evaluated: 2023-04-12. Review status: criteria provided, single submitter. Criteria: ACMG Guidelines, 2015. Collection method: clinical testing. Allele origin: germline.
Comment: The GLI2 c.2504C>G variant is predicted to result in the amino acid substitution p.Ser835Cys. To our knowledge, this variant has not been reported in the literature. This variant is reported in 0.0% of alleles in individuals of African descent in gnomAD. At this time, the clinical significance of this variant is uncertain due to the absence of conclusive functional and genetic evidence.